The following is an entry in ClinVar:

NM_198699.1(KRTAP10-12):c.243G>A (p.Thr81=)

Genes: KRTAP10-12 (keratin associated protein 10-12; plus strand), TSPEAR (thrombospondin type laminin G domain and EAR repeats; minus strand). Cytogenetic location: 21q22.3.
Variant type: single nucleotide variant.
Coding change: c.243G>A on transcript NM_198699.1 (MANE Select); coding-DNA position 243, G replaced by A.
Protein change: p.Thr81=; no amino-acid change (threonine 81 retained).
Molecular consequence: synonymous variant. On other transcripts: intron variant (2).
Genome position (GRCh38, 1-based): chr21:44,697,444, G>A. VCF-style: chr21-44697444-G-A. GRCh37 (hg19) VCF-style: chr21-46117359-G-A.
Other names: c.82+13989C>T (NM_144991.3); c.-184-6838C>T (NM_001272037.2).
Identifiers: ClinVar variation 4820788 (VCV004820788.4).

ClinVar aggregate classification (germline): Likely benign (1 of 4 stars; one submission).

gnomAD v4.1: 9,410 of 1,614,016 alleles (0.58%); highest among the groups gnomAD compares: Non-Finnish European, 0.74%; 36 homozygotes.

Submission:

CeGaT Center for Human Genetics Tuebingen
Classification: Likely benign. Last evaluated: 2026-07-01. Review status: criteria provided, single submitter. Criteria: CeGaT Center For Human Genetics Tuebingen Variant Classification Criteria Version 2. Collection method: clinical testing. Allele origin: germline. Affected: yes. Observed: 2 variant alleles.
Comment: KRTAP10-12: BP4, BP7, BS2